The following is an entry in ClinVar:

NM_003640.5(ELP1):c.1191C>G (p.Asn397Lys)

Gene: ELP1 (elongator acetyltransferase complex subunit 1; minus strand). Cytogenetic location: 9q31.3.
Variant type: single nucleotide variant.
Coding change: c.1191C>G on transcript NM_003640.5 (MANE Select); coding-DNA position 1191, C replaced by G.
Protein change: p.Asn397Lys; replaces asparagine 397 with lysine.
Molecular consequence: missense variant.
Genome position (GRCh38, 1-based): chr9:108,911,179, G>C on the plus strand (C>G on the coding strand, the complement: ELP1 is on the minus strand). VCF-style: chr9-108911179-G-C. GRCh37 (hg19) VCF-style: chr9-111673459-G-C.
Other names: c.849C>G, p.Asn283Lys (NM_001318360.2); c.144C>G, p.Asn48Lys (NM_001330749.2); c.1191C>G (NM_003640.3); short protein forms N48K, N397K, N283K.
Identifiers: ClinVar variation 1470952 (VCV001470952.8), dbSNP rs749277039, ClinGen allele CA5175081.

ClinVar aggregate classification (germline): Uncertain significance. Review status: criteria provided, multiple submitters, no conflicts (2 of 4 stars). 3 submissions from 3 submitters: Uncertain significance (3). Last evaluated 2025-05-16.

Conditions:
Medulloblastoma (MDB). Also called: Medulloblastoma, somatic; MEDULLOBLASTOMA PREDISPOSITION SYNDROME. Identifiers: Orphanet 616, MedGen C0025149, MeSH D008527, MONDO:0007959, OMIM 155255, HP:0002885.
Familial dysautonomia. Also called: FD; HSAN III. Identifiers: Orphanet 1764, MedGen C0013364, MONDO:0009131, OMIM 223900. Disease mechanism: loss of function.

Allele frequency attached by ClinVar (database versions not stated): gnomAD exomes below 0.00001 and 0.00001; ExAC 0.00002.
gnomAD v4.1: 1 of 1,614,032 alleles (0.000062%); highest among the groups gnomAD compares: Non-Finnish European, 0.000085%; no homozygotes.

Submissions (3):

Ambry Genetics
Classification: Uncertain significance. Last evaluated: 2025-05-16. Review status: criteria provided, single submitter. Criteria: Ambry Variant Classification Scheme 2023. Collection method: clinical testing. Allele origin: germline.

Labcorp Genetics (formerly Invitae), Labcorp
Classification: Uncertain significance. Last evaluated: 2025-03-19. Review status: criteria provided, single submitter. Criteria: Invitae Variant Classification Sherloc (09022015). Collection method: clinical testing. Allele origin: germline.
Comment: This sequence change replaces asparagine, which is neutral and polar, with lysine, which is basic and polar, at codon 397 of the ELP1 protein (p.Asn397Lys). This variant is present in population databases (rs749277039, gnomAD 0.002%). This variant has not been reported in the literature in individuals affected with ELP1-related conditions. ClinVar contains an entry for this variant (Variation ID: 1470952). An algorithm developed to predict the effect of missense changes on protein structure and function outputs the following: PolyPhen-2: "Benign". The lysine amino acid residue is found in multiple mammalian species, which suggests that this missense change does not adversely affect protein function. In summary, the available evidence is currently insufficient to determine the role of this variant in disease. Therefore, it has been classified as a Variant of Uncertain Significance.

Fulgent Genetics
Classification: Uncertain significance for Medulloblastoma; Familial dysautonomia. Last evaluated: 2024-03-26. Review status: criteria provided, single submitter. Criteria: ACMG Guidelines, 2015. Collection method: clinical testing. Allele origin: germline.